The following is an entry in ClinVar:

NM_000051.4(ATM):c.3577-11G>T

Gene: ATM (ATM serine/threonine kinase; plus strand). Cytogenetic location: 11q22.3.
Variant type: single nucleotide variant.
Coding change: c.3577-11G>T on transcript NM_000051.4 (MANE Select); 11 bases into the intron before coding-DNA position 3577, G replaced by T.
Molecular consequence: intron variant.
Genome position (GRCh38, 1-based): chr11:108,282,699, G>T. VCF-style: chr11-108282699-G-T. GRCh37 (hg19) VCF-style: chr11-108153426-G-T.
Other names: c.3577-11G>T (NM_001351834.2).
Identifiers: ClinVar variation 3254036 (VCV003254036.1), dbSNP rs2135685988.

ClinVar aggregate classification (germline): Likely benign (1 of 4 stars; one submission).

Conditions:
Familial cancer of breast. Also called: BREAST CANCER, FAMILIAL; Hereditary breast cancer; hereditary breast carcinoma. Identifiers: Orphanet 227535, MedGen C0346153, MONDO:0016419, OMIM 114480. Disease mechanism: loss of function.

Submission:

Myriad Genetics, Inc.
Classification: Likely benign for Familial cancer of breast. Last evaluated: 2024-05-15. Review status: criteria provided, single submitter. Criteria: Myriad Autosomal Dominant, Autosomal Recessive and X-Linked Classification Criteria (2023). Collection method: clinical testing. Allele origin: unknown.
Comment: This variant is considered likely benign. This variant is intronic and is not expected to impact mRNA splicing.